The following is an entry in ClinVar:

NM_053025.4(MYLK):c.1773G>C (p.Gln591His)

Gene: MYLK (myosin light chain kinase; minus strand). Cytogenetic location: 3q21.1.
Variant type: single nucleotide variant.
Coding change: c.1773G>C on transcript NM_053025.4 (MANE Select); coding-DNA position 1773, G replaced by C.
Protein change: p.Gln591His; replaces glutamine 591 with histidine.
Molecular consequence: missense variant.
Genome position (GRCh38, 1-based): chr3:123,722,159, C>G on the plus strand (G>C on the coding strand, the complement: MYLK is on the minus strand). VCF-style: chr3-123722159-C-G. GRCh37 (hg19) VCF-style: chr3-123441006-C-G.
Other names: c.1245G>C, p.Gln415His (NM_001321309.2); c.1566G>C, p.Gln522His (NM_053026.4, NM_053028.4); c.1773G>C, p.Gln591His (NM_053027.4); short protein forms Q591H, Q415H, Q522H.
Identifiers: ClinVar variation 2694241 (VCV002694241.3), dbSNP rs2474447149, ClinGen allele CA354235266.

ClinVar aggregate classification (germline): Uncertain significance (1 of 4 stars; one submission).

Conditions:
Aortic aneurysm, familial thoracic 7 (AAT7). Also called: AORTIC DISSECTION, FAMILIAL, WITH OR WITHOUT AORTIC ANEURYSM. Identifiers: MedGen C3151077, MONDO:0013418, OMIM 613780.

Allele frequency attached by ClinVar (database versions not stated): gnomAD exomes below 0.00001.
gnomAD v4.1: 1 of 1,565,280 alleles (0.000064%); highest among the groups gnomAD compares: Non-Finnish European, 0.000087%; no homozygotes.

Submission:

Labcorp Genetics (formerly Invitae), Labcorp
Classification: Uncertain significance for Aortic aneurysm, familial thoracic 7. Last evaluated: 2023-11-25. Review status: criteria provided, single submitter. Criteria: Invitae Variant Classification Sherloc (09022015). Collection method: clinical testing. Allele origin: germline.
Comment: This sequence change replaces glutamine, which is neutral and polar, with histidine, which is basic and polar, at codon 591 of the MYLK protein (p.Gln591His). This variant is not present in population databases (gnomAD no frequency). This variant has not been reported in the literature in individuals affected with MYLK-related conditions. Advanced modeling of protein sequence and biophysical properties (such as structural, functional, and spatial information, amino acid conservation, physicochemical variation, residue mobility, and thermodynamic stability) performed at Invitae indicates that this missense variant is not expected to disrupt MYLK protein function with a negative predictive value of 80%. In summary, the available evidence is currently insufficient to determine the role of this variant in disease. Therefore, it has been classified as a Variant of Uncertain Significance.